The following is an entry in ClinVar:

ClinVar aggregate classification (germline): Uncertain significance (1 of 4 stars; one submission).

gnomAD v4.1: 1 of 1,614,176 alleles (0.000062%); highest among the groups gnomAD compares: South Asian, 0.0011%; no homozygotes.

Submission:

Labcorp Genetics (formerly Invitae), Labcorp
Classification: Uncertain significance. Last evaluated: 2023-03-02. Review status: criteria provided, single submitter. Criteria: Invitae Variant Classification Sherloc (09022015). Collection method: clinical testing. Allele origin: germline.
Comment: Advanced modeling of protein sequence and biophysical properties (such as structural, functional, and spatial information, amino acid conservation, physicochemical variation, residue mobility, and thermodynamic stability) performed at Invitae indicates that this missense variant is not expected to disrupt SRCAP protein function. This variant has not been reported in the literature in individuals affected with SRCAP-related conditions. This variant is present in population databases (no rsID available, gnomAD 0.003%). This sequence change replaces isoleucine, which is neutral and non-polar, with phenylalanine, which is neutral and non-polar, at codon 1936 of the SRCAP protein (p.Ile1936Phe). In summary, the available evidence is currently insufficient to determine the role of this variant in disease. Therefore, it has been classified as a Variant of Uncertain Significance.

NM_006662.3(SRCAP):c.5806A>T (p.Ile1936Phe)

Gene: SRCAP (Snf2 related CREBBP activator protein; plus strand). Cytogenetic location: 16p11.2.
Variant type: single nucleotide variant.
Coding change: c.5806A>T on transcript NM_006662.3 (MANE Select); coding-DNA position 5806, A replaced by T.
Protein change: p.Ile1936Phe; replaces isoleucine 1936 with phenylalanine.
Molecular consequence: missense variant.
Genome position (GRCh38, 1-based): chr16:30,729,113, A>T. VCF-style: chr16-30729113-A-T. GRCh37 (hg19) VCF-style: chr16-30740434-A-T.
Other names: short protein forms I1936F.
Identifiers: ClinVar variation 2798773 (VCV002798773.3), dbSNP rs1332673870, ClinGen allele CA395621369.